The following is an entry in ClinVar:

ClinVar aggregate classification (germline): Likely benign (0 of 4 stars; one submission).

Conditions:
CACNA1A-related disorder. Also called: CACNA1A-related condition.

Allele frequency attached by ClinVar (database versions not stated): gnomAD exomes below 0.00001.
gnomAD v4.1: 1 of 1,613,998 alleles (0.000062%); highest among the groups gnomAD compares: Non-Finnish European, 0.000085%; no homozygotes.

Submission:

PreventionGenetics, part of Exact Sciences
Classification: Likely benign for CACNA1A-related condition. Last evaluated: 2022-03-16. Review status: no assertion criteria provided. Collection method: clinical testing. Allele origin: germline.
Comment: This variant is classified as likely benign based on ACMG/AMP sequence variant interpretation guidelines (Richards et al. 2015 PMID: 25741868, with internal and published modifications).

NM_001127222.2(CACNA1A):c.3789G>A (p.Glu1263=)

Gene: CACNA1A (calcium voltage-gated channel subunit alpha1 A; minus strand). Cytogenetic location: 19p13.13.
Variant type: single nucleotide variant.
Coding change: c.3789G>A on transcript NM_001127222.2 (MANE Select); coding-DNA position 3789, G replaced by A.
Protein change: p.Glu1263=; no amino-acid change (glutamic acid 1263 retained).
Molecular consequence: synonymous variant.
Genome position (GRCh38, 1-based): chr19:13,283,300, C>T on the plus strand (G>A on the coding strand, the complement: CACNA1A is on the minus strand). VCF-style: chr19-13283300-C-T. GRCh37 (hg19) VCF-style: chr19-13394114-C-T.
Other names: c.3801G>A, p.Glu1267= (NM_000068.4, NM_023035.3); c.3792G>A, p.Glu1264= (NM_001127221.2, NM_001174080.2).
Identifiers: ClinVar variation 3045015 (VCV003045015.2), dbSNP rs2512840608, ClinGen allele CA505660489.